The following is an entry in ClinVar:

ClinVar aggregate classification (germline): Uncertain significance (1 of 4 stars; one submission).

Submission:

GeneDx
Classification: Uncertain significance. Last evaluated: 2024-08-08. Review status: criteria provided, single submitter. Criteria: GeneDx Variant Classification Process June 2021. Collection method: clinical testing. Allele origin: germline. Affected: yes.
Comment: Not observed at significant frequency in large population cohorts (gnomAD); In silico analysis indicates that this missense variant does not alter protein structure/function; Has not been previously published as pathogenic or benign to our knowledge

NM_006767.4(LZTR1):c.997G>A (p.Gly333Ser)

Gene: LZTR1 (leucine zipper like post translational regulator 1; plus strand). Cytogenetic location: 22q11.21.
Variant type: single nucleotide variant.
Coding change: c.997G>A on transcript NM_006767.4 (MANE Select); coding-DNA position 997, G replaced by A.
Protein change: p.Gly333Ser; replaces glycine 333 with serine.
Molecular consequence: missense variant.
Genome position (GRCh38, 1-based): chr22:20,992,217, G>A. VCF-style: chr22-20992217-G-A. GRCh37 (hg19) VCF-style: chr22-21346506-G-A.
Other names: short protein forms G333S.
Identifiers: ClinVar variation 3603245 (VCV003603245.1).